The following is an entry in ClinVar:

NM_014874.4(MFN2):c.617C>T (p.Thr206Ile)

Gene: MFN2 (mitofusin 2; plus strand). Cytogenetic location: 1p36.22.
Variant type: single nucleotide variant.
Coding change: c.617C>T on transcript NM_014874.4 (MANE Select); coding-DNA position 617, C replaced by T.
Protein change: p.Thr206Ile; replaces threonine 206 with isoleucine.
Molecular consequence: missense variant.
Genome position (GRCh38, 1-based): chr1:11,998,787, C>T. VCF-style: chr1-11998787-C-T. GRCh37 (hg19) VCF-style: chr1-12058844-C-T.
Other names: c.617C>T, p.Thr206Ile (NM_001127660.2); short protein forms T206I.
Identifiers: ClinVar variation 2279 (VCV000002279.6), dbSNP rs119103266, ClinGen allele CA115472.

ClinVar aggregate classification (germline): Pathogenic. Review status: criteria provided, multiple submitters, no conflicts (2 of 4 stars). 5 submissions from 5 submitters: Pathogenic (3). 2 of the submissions do not count toward it. Last evaluated 2025-10-13.

Conditions:
MFN2-related disorder. Also called: MFN2-related disorders; MFN2-related condition.
Charcot-Marie-Tooth disease type 2. Also called: Charcot-Marie-Tooth type 2. Identifiers: Orphanet 64746, MedGen C0270914, MONDO:0018993.
Charcot-Marie-Tooth disease. Also called: Charcot-Marie-Tooth Neuropathy; Charcot-Marie-Tooth Hereditary Neuropathy. Identifiers: Orphanet 166, MedGen C0007959, MONDO:0015626.
Hereditary motor and sensory neuropathy with optic atrophy. Also called: PERIPHERAL NEUROPATHY AND OPTIC ATROPHY; CHARCOT-MARIE-TOOTH DISEASE, TYPE 6. Identifiers: Orphanet 90120, MedGen C0393807, MONDO:0019551.

Submissions (5):

Labcorp Genetics (formerly Invitae), Labcorp
Classification: Pathogenic for Charcot-Marie-Tooth disease type 2. Last evaluated: 2025-10-13. Review status: criteria provided, single submitter. Criteria: Invitae Variant Classification Sherloc (09022015). Collection method: clinical testing. Allele origin: germline.
Comment: This sequence change replaces threonine, which is neutral and polar, with isoleucine, which is neutral and non-polar, at codon 206 of the MFN2 protein (p.Thr206Ile). This variant is not present in population databases (gnomAD no frequency). This missense change has been observed in individual(s) with Charcot-Marie-Tooth disease (PMID: 16437557, 16714318). In at least one individual the variant was observed to be de novo. ClinVar contains an entry for this variant (Variation ID: 2279). Invitae Evidence Modeling of protein sequence and biophysical properties (such as structural, functional, and spatial information, amino acid conservation, physicochemical variation, residue mobility, and thermodynamic stability) has been performed for this missense variant. However, the output from this modeling did not meet the statistical confidence thresholds required to predict the impact of this variant on MFN2 protein function. Experimental studies have shown that this missense change affects MFN2 function (PMID: 38092249). For these reasons, this variant has been classified as Pathogenic.

Blueprint Genetics
Classification: Pathogenic for MFN2-related disorders. Last evaluated: 2023-05-22. Review status: criteria provided, single submitter. Criteria: ACMG Guidelines, 2015. Collection method: clinical testing. Allele origin: de novo. Affected: yes. Observed: 1 variant allele.

Institute of Medical Genetics and Applied Genomics, University Hospital Tübingen
Classification: Pathogenic. Last evaluated: 2020-10-23. Review status: criteria provided, single submitter. Criteria: ACMG Guidelines, 2015. Collection method: clinical testing. Allele origin: germline. Inheritance: Unknown mechanism. Affected: yes.

Genesis Genome Database
Classification: Uncertain significance for Charcot-Marie-Tooth disease. Last evaluated: 2019-08-14. Review status: no assertion criteria provided. Collection method: research. Allele origin: germline. Affected: yes. Not counted in ClinVar's aggregate classification.

OMIM
Classification: Pathogenic for NEUROPATHY, HEREDITARY MOTOR AND SENSORY, TYPE VIA. Last evaluated: 2006-02-01. Review status: no assertion criteria provided. Collection method: literature only. Allele origin: germline. Not counted in ClinVar's aggregate classification.

Literature cited by the submitters: PubMed 16437557 (cited by Labcorp Genetics (formerly Invitae), Labcorp and OMIM); PubMed 16714318 (cited by Labcorp Genetics (formerly Invitae), Labcorp); PubMed 38092249 (cited by Labcorp Genetics (formerly Invitae), Labcorp).